The following is an entry in ClinVar:

ClinVar aggregate classification (germline): Uncertain significance (1 of 4 stars; one submission).

Submission:

Labcorp Genetics (formerly Invitae), Labcorp
Classification: Uncertain significance. Last evaluated: 2022-10-04. Review status: criteria provided, single submitter. Criteria: Invitae Variant Classification Sherloc (09022015). Collection method: clinical testing. Allele origin: germline.
Comment: This sequence change replaces proline, which is neutral and non-polar, with glutamine, which is neutral and polar, at codon 154 of the ATP6V1B1 protein (p.Pro154Gln). This variant is not present in population databases (gnomAD no frequency). This missense change has been observed in individual(s) with clinical features of renal tubular acidosis with deafness (Invitae). Advanced modeling of protein sequence and biophysical properties (such as structural, functional, and spatial information, amino acid conservation, physicochemical variation, residue mobility, and thermodynamic stability) performed at Invitae indicates that this missense variant is expected to disrupt ATP6V1B1 protein function. This variant disrupts the p.Pro154 amino acid residue in ATP6V1B1. Other variant(s) that disrupt this residue have been observed in individuals with ATP6V1B1-related conditions (PMID: 28233610; Invitae), which suggests that this may be a clinically significant amino acid residue. In summary, the available evidence is currently insufficient to determine the role of this variant in disease. Therefore, it has been classified as a Variant of Uncertain Significance.

Literature cited by the submitters: PubMed 28233610.

NM_001692.4(ATP6V1B1):c.461C>A (p.Pro154Gln)

Gene: ATP6V1B1 (ATPase H+ transporting V1 subunit B1; plus strand). Cytogenetic location: 2p13.3.
Variant type: single nucleotide variant.
Coding change: c.461C>A on transcript NM_001692.4 (MANE Select); coding-DNA position 461, C replaced by A.
Protein change: p.Pro154Gln; replaces proline 154 with glutamine.
Molecular consequence: missense variant.
Genome position (GRCh38, 1-based): chr2:70,959,954, C>A. VCF-style: chr2-70959954-C-A. GRCh37 (hg19) VCF-style: chr2-71187084-C-A.
Other names: short protein forms P154Q.
Identifiers: ClinVar variation 1986512 (VCV001986512.1), dbSNP rs781822154, ClinGen allele CA347181822.